The following is an entry in ClinVar:

NM_001385875.1(ZFYVE27):c.109C>G (p.Leu37Val)

Gene: ZFYVE27 (zinc finger FYVE-type containing 27; plus strand). Cytogenetic location: 10q24.2.
Variant type: single nucleotide variant.
Coding change: c.109C>G on transcript NM_001385875.1 (MANE Select); coding-DNA position 109, C replaced by G.
Protein change: p.Leu37Val; replaces leucine 37 with valine.
Molecular consequence: missense variant. On other transcripts: 5 prime UTR variant (13), non-coding transcript variant (17), intron variant (5).
Genome position (GRCh38, 1-based): chr10:97,738,586, C>G. VCF-style: chr10-97738586-C-G. GRCh37 (hg19) VCF-style: chr10-99498343-C-G.
Other names: c.109C>G, p.Leu37Val (NM_001002262.4, NM_001174119.2, NM_001174120.2 and 24 more transcripts); c.-71C>G (NM_001385890.1, NM_001385893.1, NM_001385895.1 and 2 more transcripts); c.-58C>G (NM_001385899.1, NM_001385900.1, NM_001385903.1 and 4 more transcripts); c.-86C>G (NM_001385915.1); c.-8+1265C>G (NM_001385891.1, NM_001385894.1, NM_001385892.1 and 1 more transcripts); c.-27+1265C>G (NM_001174121.2); short protein forms L37V.
Identifiers: ClinVar variation 4762527 (VCV004762527.1).

ClinVar aggregate classification (germline): Uncertain significance (1 of 4 stars; one submission).

Conditions:
Spastic paraplegia. Identifiers: MedGen C0037772, HP:0001258.

gnomAD v4.1: 40 of 1,614,114 alleles (0.0025%); highest among the groups gnomAD compares: Admixed American, 0.013%; no homozygotes.

Submission:

Labcorp Genetics (formerly Invitae), Labcorp
Classification: Uncertain significance for Spastic paraplegia. Last evaluated: 2025-09-16. Review status: criteria provided, single submitter. Criteria: Invitae Variant Classification Sherloc (09022015). Collection method: clinical testing. Allele origin: germline.
Comment: This sequence change replaces leucine, which is neutral and non-polar, with valine, which is neutral and non-polar, at codon 37 of the ZFYVE27 protein (p.Leu37Val). This variant is present in population databases (rs753608881, gnomAD 0.01%). This variant has not been reported in the literature in individuals affected with ZFYVE27-related conditions. An algorithm developed to predict the effect of missense changes on protein structure and function (PolyPhen-2) suggests that this variant is likely to be disruptive. In summary, the available evidence is currently insufficient to determine the role of this variant in disease. Therefore, it has been classified as a Variant of Uncertain Significance.